The following is an entry in ClinVar:

NM_014314.4(RIGI):c.676T>A (p.Ser226Thr)

Gene: RIGI (RNA sensor RIG-I; minus strand). Cytogenetic location: 9p21.1.
Variant type: single nucleotide variant.
Coding change: c.676T>A on transcript NM_014314.4 (MANE Select); coding-DNA position 676, T replaced by A.
Protein change: p.Ser226Thr; replaces serine 226 with threonine.
Molecular consequence: missense variant.
Genome position (GRCh38, 1-based): chr9:32,491,316, A>T on the plus strand (T>A on the coding strand, the complement: RIGI is on the minus strand). VCF-style: chr9-32491316-A-T. GRCh37 (hg19) VCF-style: chr9-32491314-A-T.
Other names: c.676T>A, p.Ser226Thr (NM_001385907.1, NM_001385909.1); c.235T>A, p.Ser79Thr (NM_001385910.1, NM_001385914.1); c.67T>A, p.Ser23Thr (NM_001385912.1); c.661T>A, p.Ser221Thr (NM_001385913.1); c.676T>A (NM_014314.3); short protein forms S221T, S79T, S226T, S23T.
Identifiers: ClinVar variation 1432683 (VCV001432683.7), dbSNP rs148258613, ClinGen allele CA5020018.

ClinVar aggregate classification (germline): Uncertain significance. Review status: criteria provided, multiple submitters, no conflicts (2 of 4 stars). 2 submissions from 2 submitters: Uncertain significance (2). Last evaluated 2025-09-17.

Conditions:
Inborn genetic diseases. Identifiers: MedGen C0950123, MeSH D030342.

Allele frequency attached by ClinVar (database versions not stated): gnomAD exomes 0.00007 and 0.00018; ESP Exome Variant Server 0.00008; ExAC 0.00009; gnomAD 0.00009; TOPMed 0.00012.
gnomAD v4.1: 276 of 1,613,218 alleles (0.017%); highest among the groups gnomAD compares: Non-Finnish European, 0.023%; no homozygotes.

Submissions (2):

Labcorp Genetics (formerly Invitae), Labcorp
Classification: Uncertain significance. Last evaluated: 2025-09-17. Review status: criteria provided, single submitter. Criteria: Invitae Variant Classification Sherloc (09022015). Collection method: clinical testing. Allele origin: germline.
Comment: This sequence change replaces serine, which is neutral and polar, with threonine, which is neutral and polar, at codon 226 of the DDX58 protein (p.Ser226Thr). This variant is present in population databases (rs148258613, gnomAD 0.01%). This variant has not been reported in the literature in individuals affected with DDX58-related conditions. ClinVar contains an entry for this variant (Variation ID: 1432683). Invitae Evidence Modeling of protein sequence and biophysical properties (such as structural, functional, and spatial information, amino acid conservation, physicochemical variation, residue mobility, and thermodynamic stability) indicates that this missense variant is not expected to disrupt DDX58 protein function with a negative predictive value of 80%. In summary, the available evidence is currently insufficient to determine the role of this variant in disease. Therefore, it has been classified as a Variant of Uncertain Significance.

Ambry Genetics
Classification: Uncertain significance for Inborn genetic diseases. Last evaluated: 2025-02-26. Review status: criteria provided, single submitter. Criteria: Ambry Variant Classification Scheme 2023. Collection method: clinical testing. Allele origin: germline.